The following is an entry in ClinVar:

NM_001267550.2(TTN):c.101245G>A (p.Val33749Met)

Genes: TTN (titin; minus strand), TTN-AS1 (TTN antisense RNA 1; plus strand). Cytogenetic location: 2q31.2.
Variant type: single nucleotide variant.
Coding change: c.101245G>A on transcript NM_001267550.2 (MANE Select); coding-DNA position 101245, G replaced by A.
Protein change: p.Val33749Met; replaces valine 33749 with methionine.
Molecular consequence: missense variant.
Genome position (GRCh38, 1-based): chr2:178,535,370, C>T on the plus strand (G>A on the coding strand, the complement: TTN is on the minus strand). VCF-style: chr2-178535370-C-T. GRCh37 (hg19) VCF-style: chr2-179400097-C-T.
Other names: p.V32108M:GTG>ATG; p.Val32108Met; c.96322G>A, p.Val32108Met (NM_001256850.1); c.74050G>A, p.Val24684Met (NM_003319.4); c.93541G>A, p.Val31181Met (NM_133378.4); c.74425G>A, p.Val24809Met (NM_133432.3); c.74626G>A, p.Val24876Met (NM_133437.4); short protein forms V33749M, V31181M, V32108M, V24684M, V24809M, V24876M.
Identifiers: ClinVar variation 47634 (VCV000047634.45), dbSNP rs201554140, ClinGen allele CA141552.
Genomic context (GRCh38, chr2:178,535,370, plus strand): 5'-CAAATTTATTTTCAGCTATTACCCGGAACTGGTAACTTGTTTTTCCAAATAAGTTGATCA[C>T]GGTATAACGTGTTTCTCGGGCCTGTCCTACACGGAGCCATCTTTCTGCAGTAGTTGCACA-3'
Protein context (NP_001254479.2, residues 33739-33759): VGQARETRYT[Val33749Met]INLFGKTSYQ

ClinVar aggregate classification (germline): Conflicting classifications of pathogenicity. Review status: criteria provided, conflicting classifications (1 of 4 stars). 20 submissions from 16 submitters: Uncertain significance (3); Benign (8); Likely benign (7). 2 of the submissions do not count toward it. Last evaluated 2026-01-28.

Conditions:
Cardiovascular phenotype. Identifiers: MedGen CN230736.
Dilated cardiomyopathy 1G (CMD1G). Identifiers: Orphanet 154, MedGen C1858763, MONDO:0011400, OMIM 604145.
Autosomal recessive limb-girdle muscular dystrophy type 2J (LGMDR10). Also called: Limb-girdle muscular dystrophy, type 2J; MUSCULAR DYSTROPHY, LIMB-GIRDLE, AUTOSOMAL RECESSIVE 10. Identifiers: Orphanet 140922, MedGen C1837342, MONDO:0012127, OMIM 608807.
Limb-girdle muscular dystrophy (LGMD). Also called: Muscular Dystrophies, Limb-Girdle. Identifiers: Orphanet 263, MedGen C0686353, MeSH D049288, MONDO:0016971, HP:0006785.
Cardiomyopathy (CMYO). Also called: Cardiomyopathies. Identifiers: Orphanet 167848, MedGen C0878544, MONDO:0004994, HP:0001638. Inheritance: Various modes of inheritance.
Early-onset myopathy with fatal cardiomyopathy (CMYO5). Also called: Salih Myopathy; CONGENITAL MYOPATHY 5 WITH CARDIOMYOPATHY. Identifiers: Orphanet 289377, MedGen C2673677, MONDO:0012714, OMIM 611705. Disease mechanism: loss of function.
Tibial muscular dystrophy (TMD). Also called: Udd Distal Myopathy – Tibial Muscular Dystrophy; Tibial muscular dystrophy, tardive; UDD MYOPATHY. Identifiers: Orphanet 609, MedGen C1838244, MONDO:0010870, OMIM 600334.
Myopathy, myofibrillar, 9, with early respiratory failure (MFM9). Also called: Hereditary myopathy with early respiratory failure; Myopathy, distal, with early respiratory failure, autosomal dominant; EDSTROM MYOPATHY; MYOPATHY, PROXIMAL, WITH EARLY RESPIRATORY MUSCLE INVOLVEMENT. Identifiers: Orphanet 178464, Orphanet 34521, MedGen C1863599, MONDO:0011362, OMIM 603689.

Allele frequency attached by ClinVar (database versions not stated): gnomAD exomes 0.00025 and 0.00054; ExAC 0.00070; 1000 Genomes Project 0.00140; 1000 Genomes Project 30x 0.00172; gnomAD 0.00203 and 0.00225; TOPMed 0.00215; ESP Exome Variant Server 0.00257.
gnomAD v4.1: 690 of 1,613,888 alleles (0.043%); highest among the groups gnomAD compares: African/African-American, 0.73%; 3 homozygotes.

Submissions (20):

Labcorp Genetics (formerly Invitae), Labcorp
Classification: Benign for Dilated cardiomyopathy 1G; Autosomal recessive limb-girdle muscular dystrophy type 2J. Last evaluated: 2026-01-28. Review status: criteria provided, single submitter. Criteria: Invitae Variant Classification Sherloc (09022015). Collection method: clinical testing. Allele origin: germline.

CeGaT Center for Human Genetics Tuebingen
Classification: Likely benign. Last evaluated: 2025-07-01. Review status: criteria provided, single submitter. Criteria: CeGaT Center For Human Genetics Tuebingen Variant Classification Criteria Version 2. Collection method: clinical testing. Allele origin: germline. Affected: yes. Observed: 1 variant allele.
Comment: TTN: BS2

Mayo Clinic Laboratories, Mayo Clinic
Classification: Likely benign. Last evaluated: 2025-04-09. Review status: criteria provided, single submitter. Criteria: ACMG Guidelines, 2015. Collection method: clinical testing. Allele origin: germline. Observed: 6 variant alleles.

Molecular Diagnostic Laboratory for Inherited Cardiovascular Disease, Montreal Heart Institute
Classification: Likely benign. Last evaluated: 2025-04-09. Review status: criteria provided, single submitter. Criteria: ACMG Guidelines, 2015. Collection method: clinical testing. Allele origin: germline. Affected: no.

Blueprint Genetics
Classification: Likely benign. Last evaluated: 2024-08-02. Review status: criteria provided, single submitter. Criteria: ACMG Guidelines, 2015. Collection method: clinical testing. Allele origin: germline.

Women's Health and Genetics/Laboratory Corporation of America, LabCorp
Classification: Benign. Last evaluated: 2021-03-15. Review status: criteria provided, single submitter. Criteria: LabCorp Variant Classification Summary - May 2015. Collection method: clinical testing. Allele origin: germline.
Comment: Variant summary: TTN c.93541G>A (p.Val31181Met) results in a conservative amino acid change located in the M-band domain of the encoded protein sequence. Four of five in-silico tools predict a damaging effect of the variant on protein function. The variant allele was found at a frequency of 0.00079 in 280298 control chromosomes, predominantly at a frequency of 0.0079 within the African or African-American subpopulation in the gnomAD database, including 2 homozygotes. The observed variant frequency within African or African-American control individuals in the gnomAD database is approximately 20 fold of the estimated maximal expected allele frequency for a pathogenic variant in TTN causing Dilated Cardiomyopathy phenotype (0.00039), strongly suggesting that the variant is a benign polymorphism found primarily in populations of African or African-American origin. To our knowledge, no experimental evidence demonstrating its impact on protein function have been reported. Nine ClinVar submitters (evaluation after 2014) cite the variant as uncertain significance (n=1), likely benign (n=3) and benign (n=5). Based on the evidence outlined above, the variant was classified as benign.

GeneDx
Classification: Benign. Last evaluated: 2020-04-23. Review status: criteria provided, single submitter. Criteria: GeneDx Variant Classification Process June 2021. Collection method: clinical testing. Allele origin: germline. Affected: yes.
Comment: This variant is associated with the following publications: (PMID: 24558114)

Cambridge Genomics Laboratory, East Genomic Laboratory Hub, NHS Genomic Medicine Service
Classification: Likely benign for Limb-girdle muscular dystrophy. Last evaluated: 2019-09-03. Review status: criteria provided, single submitter. Criteria: ACGS Best Practice Guidelines for Variant Classification in Rare Disease 2020. Collection method: clinical testing. Allele origin: germline. Affected: yes. Observed: 1 variant allele.

Athena Diagnostics
Classification: Benign. Last evaluated: 2018-12-26. Review status: criteria provided, single submitter. Criteria: Athena Diagnostics Criteria. Collection method: clinical testing. Allele origin: germline.

Ambry Genetics
Classification: Likely benign for Cardiovascular phenotype. Last evaluated: 2018-09-14. Review status: criteria provided, single submitter. Criteria: Ambry Variant Classification Scheme 2023. Collection method: clinical testing. Allele origin: germline.

Illumina Laboratory Services, Illumina
Classification: Uncertain significance for Dilated cardiomyopathy 1G. Last evaluated: 2018-01-13. Review status: criteria provided, single submitter. Criteria: ICSL Variant Classification Criteria 13 December 2019. Collection method: clinical testing. Allele origin: germline.

Illumina Laboratory Services, Illumina
Classification: Uncertain significance for Autosomal recessive limb-girdle muscular dystrophy type 2J. Last evaluated: 2018-01-13. Review status: criteria provided, single submitter. Criteria: ICSL Variant Classification Criteria 13 December 2019. Collection method: clinical testing. Allele origin: germline.

Illumina Laboratory Services, Illumina
Classification: Benign for Tibial muscular dystrophy. Last evaluated: 2018-01-13. Review status: criteria provided, single submitter. Criteria: ICSL Variant Classification Criteria 13 December 2019. Collection method: clinical testing. Allele origin: germline.
Comment: This variant was observed in the ICSL laboratory as part of a predisposition screen in an ostensibly healthy population. It had not been previously curated by ICSL or reported in the Human Gene Mutation Database (HGMD: prior to June 1st, 2018), and was therefore a candidate for classification through an automated scoring system. Utilizing variant allele frequency, disease prevalence and penetrance estimates, and inheritance mode, an automated score was calculated to assess if this variant is too frequent to cause the disease. Based on the score and internal cut-off values, a variant classified as benign is not then subjected to further curation. The score for this variant resulted in a classification of benign for this disease.

Illumina Laboratory Services, Illumina
Classification: Benign for Myopathy, myofibrillar, 9, with early respiratory failure. Last evaluated: 2018-01-13. Review status: criteria provided, single submitter. Criteria: ICSL Variant Classification Criteria 13 December 2019. Collection method: clinical testing. Allele origin: germline.
Comment: the same text as in the submission from Illumina Laboratory Services, Illumina above.

Illumina Laboratory Services, Illumina
Classification: Uncertain significance for Early-onset myopathy with fatal cardiomyopathy. Last evaluated: 2018-01-13. Review status: criteria provided, single submitter. Criteria: ICSL Variant Classification Criteria 13 December 2019. Collection method: clinical testing. Allele origin: germline.

CHEO Genetics Diagnostic Laboratory, Children's Hospital of Eastern Ontario
Classification: Benign for Cardiomyopathy. Last evaluated: 2017-12-01. Review status: criteria provided, single submitter. Criteria: ACMG Guidelines, 2015. Collection method: clinical testing. Allele origin: germline.

Eurofins Ntd Llc (ga)
Classification: Benign. Last evaluated: 2015-07-15. Review status: criteria provided, single submitter. Criteria: EGL Classification Definitions 2015. Collection method: clinical testing. Allele origin: germline. Observed: 1 variant allele, 1 heterozygote.

Laboratory for Molecular Medicine, Mass General Brigham Personalized Medicine
Classification: Likely benign. Last evaluated: 2015-06-05. Review status: criteria provided, single submitter. Criteria: LMM Criteria. Collection method: clinical testing. Allele origin: germline. Observed: 11 variant alleles.
Comment: p.Val31181Met in exon 307 of TTN: This variant is not expected to have clinical significance because it has been identified in 0.8% (76/9802) of African chromos omes by the Exome Aggregation Consortium (ExAC; dbSNP rs201554140).

Clinical Genetics DNA and cytogenetics Diagnostics Lab, Erasmus MC, Erasmus Medical Center
Classification: Benign. Review status: no assertion criteria provided. Collection method: clinical testing. Allele origin: germline. Affected: yes. Study: VKGL Data-share Consensus. Not counted in ClinVar's aggregate classification.

Clinical Genetics, Academic Medical Center
Classification: Benign. Review status: no assertion criteria provided. Collection method: clinical testing. Allele origin: germline. Affected: yes. Study: VKGL Data-share Consensus. Not counted in ClinVar's aggregate classification.

Literature cited by the submitters: PubMed 24558114 (cited by Athena Diagnostics).